The following is an entry in ClinVar:

NM_001148.6(ANK2):c.2007C>T (p.Ala669=)

Gene: ANK2 (ankyrin 2; plus strand). Cytogenetic location: 4q26.
Variant type: single nucleotide variant.
Coding change: c.2007C>T on transcript NM_001148.6 (MANE Select); coding-DNA position 2007, C replaced by T.
Protein change: p.Ala669=; no amino-acid change (alanine 669 retained).
Molecular consequence: synonymous variant.
Genome position (GRCh38, 1-based): chr4:113,282,800, C>T. VCF-style: chr4-113282800-C-T. GRCh37 (hg19) VCF-style: chr4-114203956-C-T.
Other names: c.1944C>T, p.Ala648= (NM_001127493.3, NM_001354239.2, NM_001354243.2 and 10 more transcripts); c.2007C>T, p.Ala669= (NM_001354225.2, NM_001354228.2, NM_001354232.2 and 6 more transcripts); c.2052C>T, p.Ala684= (NM_001354230.2, NM_001354231.2, NM_001354237.2 and 5 more transcripts); c.1908C>T, p.Ala636= (NM_001354245.2, NM_001354268.2); c.1920C>T, p.Ala640= (NM_001354249.2, NM_001354264.2, NM_001354266.2 and 10 more transcripts); c.1845C>T, p.Ala615= (NM_001354253.2, NM_001354257.2, NM_001354270.2 and 1 more transcripts); c.1821C>T, p.Ala607= (NM_001354260.2, NM_001354271.2, NM_001386151.1); c.1965C>T, p.Ala655= (NM_001354261.2, NM_001386147.1, NM_001386160.1); and 8 more.
Identifiers: ClinVar variation 3251010 (VCV003251010.18), dbSNP rs2495907729.

ClinVar aggregate classification (germline): Uncertain significance (1 of 4 stars; one submission).

Allele frequency attached by ClinVar (database versions not stated): gnomAD exomes below 0.00001.
gnomAD v4.1: 2 of 1,614,028 alleles (0.00012%); highest among the groups gnomAD compares: Non-Finnish European, 0.00017%; no homozygotes.

Submission:

CeGaT Center for Human Genetics Tuebingen
Classification: Uncertain significance. Last evaluated: 2024-06-01. Review status: criteria provided, single submitter. Criteria: CeGaT Center For Human Genetics Tuebingen Variant Classification Criteria Version 2. Collection method: clinical testing. Allele origin: germline. Affected: yes. Observed: 1 variant allele.
Comment: ANK2: PM2:Supporting, BP4